The following is an entry in ClinVar:

ClinVar aggregate classification (germline): Uncertain significance. Review status: criteria provided, multiple submitters, no conflicts (2 of 4 stars). 3 submissions from 3 submitters: Uncertain significance (3). Last evaluated 2023-07-31.

Conditions:
Mowat-Wilson syndrome (MOWS). Also called: Classic Mowat-Wilson Syndrome. Identifiers: Orphanet 2152, MedGen C1856113, MONDO:0009341, OMIM 235730.

Allele frequency attached by ClinVar (database versions not stated): gnomAD exomes below 0.00001; TOPMed below 0.00001.
gnomAD v4.1: 2 of 1,614,186 alleles (0.00012%); highest among the groups gnomAD compares: African/African-American, 0.0027%; no homozygotes.

Submissions (3):

Labcorp Genetics (formerly Invitae), Labcorp
Classification: Uncertain significance for Mowat-Wilson syndrome. Last evaluated: 2023-07-31. Review status: criteria provided, single submitter. Criteria: Invitae Variant Classification Sherloc (09022015). Collection method: clinical testing. Allele origin: germline.
Comment: This sequence change replaces threonine, which is neutral and polar, with serine, which is neutral and polar, at codon 761 of the ZEB2 protein (p.Thr761Ser). This variant is not present in population databases (gnomAD no frequency). This variant has not been reported in the literature in individuals affected with ZEB2-related conditions. ClinVar contains an entry for this variant (Variation ID: 281635). Advanced modeling of protein sequence and biophysical properties (such as structural, functional, and spatial information, amino acid conservation, physicochemical variation, residue mobility, and thermodynamic stability) performed at Invitae indicates that this missense variant is not expected to disrupt ZEB2 protein function. In summary, the available evidence is currently insufficient to determine the role of this variant in disease. Therefore, it has been classified as a Variant of Uncertain Significance.

Genome-Nilou Lab
Classification: Uncertain significance for Mowat-Wilson syndrome. Last evaluated: 2021-11-07. Review status: criteria provided, single submitter. Criteria: ACMG Guidelines, 2015. Collection method: clinical testing. Allele origin: germline. Affected: no.

Eurofins Ntd Llc (ga)
Classification: Uncertain significance. Last evaluated: 2015-07-23. Review status: criteria provided, single submitter. Criteria: EGL Classification Definitions 2015. Collection method: clinical testing. Allele origin: germline. Observed: 1 variant allele, 1 heterozygote.

NM_014795.4(ZEB2):c.2281A>T (p.Thr761Ser)

Gene: ZEB2 (zinc finger E-box binding homeobox 2; minus strand). Cytogenetic location: 2q22.3.
Variant type: single nucleotide variant.
Coding change: c.2281A>T on transcript NM_014795.4 (MANE Select); coding-DNA position 2281, A replaced by T.
Protein change: p.Thr761Ser; replaces threonine 761 with serine.
Molecular consequence: missense variant.
Genome position (GRCh38, 1-based): chr2:144,398,906, T>A on the plus strand (A>T on the coding strand, the complement: ZEB2 is on the minus strand). VCF-style: chr2-144398906-T-A. GRCh37 (hg19) VCF-style: chr2-145156473-T-A.
Other names: c.2209A>T, p.Thr737Ser (NM_001171653.2); short protein forms T761S, T737S.
Identifiers: ClinVar variation 281635 (VCV000281635.16), dbSNP rs867243713, ClinGen allele CA10603933.